The following is an entry in ClinVar:

NM_004525.3(LRP2):c.3254G>A (p.Arg1085His)

Gene: LRP2 (LDL receptor related protein 2; minus strand). Cytogenetic location: 2q31.1.
Variant type: single nucleotide variant.
Coding change: c.3254G>A on transcript NM_004525.3 (MANE Select); coding-DNA position 3254, G replaced by A.
Protein change: p.Arg1085His; replaces arginine 1085 with histidine.
Molecular consequence: missense variant.
Genome position (GRCh38, 1-based): chr2:169,244,869, C>T on the plus strand (G>A on the coding strand, the complement: LRP2 is on the minus strand). VCF-style: chr2-169244869-C-T. GRCh37 (hg19) VCF-style: chr2-170101379-C-T.
Other names: short protein forms R1085H.
Identifiers: ClinVar variation 1482724 (VCV001482724.7), dbSNP rs763132620, ClinGen allele CA1955077.
Genomic context (GRCh38, chr2:169,244,869, plus strand): 5'-GCGTGGGTGGGGCAGTTGTGCTCATCACTGCCATCCACACAGTCGTTGCGTTTGTCACAG[C>T]GCCAGTGTGCAGGAATGCACTCCCCATGGCCACAGGTGAACGCCGAAGATGAACAGGTAT-3'
Protein context (NP_004516.2, residues 1075-1095): GHGECIPAHW[Arg1085His]CDKRNDCVDG

ClinVar aggregate classification (germline): Uncertain significance (1 of 4 stars; one submission).

Allele frequency attached by ClinVar (database versions not stated): TOPMed 0.00001; ExAC 0.00002; gnomAD exomes 0.00002.
gnomAD v4.1: 31 of 1,614,052 alleles (0.0019%); highest among the groups gnomAD compares: South Asian, 0.0077%; no homozygotes.

Submission:

Labcorp Genetics (formerly Invitae), Labcorp
Classification: Uncertain significance. Last evaluated: 2024-10-24. Review status: criteria provided, single submitter. Criteria: Invitae Variant Classification Sherloc (09022015). Collection method: clinical testing. Allele origin: germline.
Comment: This sequence change replaces arginine, which is basic and polar, with histidine, which is basic and polar, at codon 1085 of the LRP2 protein (p.Arg1085His). This variant is present in population databases (rs763132620, gnomAD 0.01%). This variant has not been reported in the literature in individuals affected with LRP2-related conditions. ClinVar contains an entry for this variant (Variation ID: 1482724). Invitae Evidence Modeling of protein sequence and biophysical properties (such as structural, functional, and spatial information, amino acid conservation, physicochemical variation, residue mobility, and thermodynamic stability) indicates that this missense variant is not expected to disrupt LRP2 protein function with a negative predictive value of 95%. In summary, the available evidence is currently insufficient to determine the role of this variant in disease. Therefore, it has been classified as a Variant of Uncertain Significance.